The following is an entry in ClinVar:

NM_002485.5(NBN):c.1197_1198inv (p.Ala400Thr)

Gene: NBN (nibrin; minus strand). Cytogenetic location: 8q21.3.
Variant type: Inversion.
Coding change: c.1197_1198inv on transcript NM_002485.5 (MANE Select).
Protein change: p.Ala400Thr; replaces alanine 400 with threonine.
Molecular consequence: missense variant.
Genome position: GRCh38 VCF-style: chr8-89955482-CA-TG. GRCh37 (hg19) VCF-style: chr8-90967710-CA-TG.
Other names: c.951_952inv, p.Ala318Thr (NM_001024688.3); short protein forms A318T, A400T.
Identifiers: ClinVar variation 411760 (VCV000411760.17), ClinGen allele CA16612365.

ClinVar aggregate classification (germline): Conflicting classifications of pathogenicity. Review status: criteria provided, conflicting classifications (1 of 4 stars). 4 submissions from 4 submitters: Uncertain significance (3); Likely benign (1). Last evaluated 2026-01-17.

Conditions:
Microcephaly, normal intelligence and immunodeficiency (NBS). Also called: IMMUNODEFICIENCY, MICROCEPHALY, AND CHROMOSOMAL INSTABILITY; SEEMANOVA SYNDROME II; Immunodeficiency, microcephaly with normal intelligence; Ataxia telangiectasia variant V1; Nijmegen breakage syndrome; Microcephaly with normal intelligence immunodeficiency and lymphoreticular malignancies. Identifiers: Orphanet 647, MedGen C0398791, MONDO:0009623, OMIM 251260.
Hereditary cancer-predisposing syndrome. Also called: Hereditary neoplastic syndrome; Neoplastic Syndromes, Hereditary; Tumor predisposition; Hereditary Cancer Syndrome. Identifiers: Orphanet 140162, MedGen C0027672, MeSH D009386, MONDO:0015356.

Submissions (4):

Labcorp Genetics (formerly Invitae), Labcorp
Classification: Uncertain significance for Microcephaly, normal intelligence and immunodeficiency. Last evaluated: 2026-01-17. Review status: criteria provided, single submitter. Criteria: Invitae Variant Classification Sherloc (09022015). Collection method: clinical testing. Allele origin: germline.
Comment: This sequence change replaces alanine, which is neutral and non-polar, with threonine, which is neutral and polar, at codon 400 of the NBN protein (p.Ala400Thr). Information on the frequency of this variant in the gnomAD database is not available, as this variant may be reported differently in the database. This variant has not been reported in the literature in individuals affected with NBN-related conditions. ClinVar contains an entry for this variant (Variation ID: 411760). An algorithm developed to predict the effect of missense changes on protein structure and function outputs the following: PolyPhen-2: "Not Available". The threonine amino acid residue is found in multiple mammalian species, which suggests that this missense change does not adversely affect protein function. In summary, the available evidence is currently insufficient to determine the role of this variant in disease. Therefore, it has been classified as a Variant of Uncertain Significance.

GeneDx
Classification: Uncertain significance. Last evaluated: 2024-12-06. Review status: criteria provided, single submitter. Criteria: GeneDx Variant Classification Process June 2021. Collection method: clinical testing. Allele origin: germline. Affected: yes.
Comment: In silico analysis indicates that this variant does not alter protein structure/function; Has not been previously published as pathogenic or benign to our knowledge

Ambry Genetics
Classification: Likely benign for Hereditary cancer-predisposing syndrome. Last evaluated: 2022-04-01. Review status: criteria provided, single submitter. Criteria: Ambry Variant Classification Scheme 2023. Collection method: clinical testing. Allele origin: germline.

Women's Health and Genetics/Laboratory Corporation of America, LabCorp
Classification: Uncertain significance. Last evaluated: 2021-11-08. Review status: criteria provided, single submitter. Criteria: LabCorp Variant Classification Summary - May 2015. Collection method: clinical testing. Allele origin: germline.
Comment: Variant summary: NBN c.1197_1198delinsCA (p.Ala400Thr) results in a non-conservative amino acid change in the encoded protein sequence. Two of three in-silico tools predict a benign effect of the variant on protein function. The variant allele was found at a frequency of 3.9e-05 in 282400 control chromosomes. This frequency is not significantly higher than expected for a pathogenic variant in NBN causing Nijmegen Breakage Syndrome (3.9e-05 vs 0.0025), allowing no conclusion about variant significance. To our knowledge, no occurrence of c.1197_1198delinsCA in individuals affected with Nijmegen Breakage Syndrome and no experimental evidence demonstrating its impact on protein function have been reported. Two clinical diagnostic laboratories have submitted clinical-significance assessments for this variant to ClinVar after 2014 without evidence for independent evaluation. All laboratories classified the variant as uncertain significance. Based on the evidence outlined above, the variant was classified as uncertain significance.